The following is an entry in ClinVar:

NM_020975.6(RET):c.2996C>G (p.Ala999Gly)

Gene: RET (ret proto-oncogene; plus strand). Cytogenetic location: 10q11.21.
Variant type: single nucleotide variant.
Coding change: c.2996C>G on transcript NM_020975.6 (MANE Select); coding-DNA position 2996, C replaced by G.
Protein change: p.Ala999Gly; replaces alanine 999 with glycine.
Molecular consequence: missense variant.
Genome position (GRCh38, 1-based): chr10:43,124,939, C>G. VCF-style: chr10-43124939-C-G. GRCh37 (hg19) VCF-style: chr10-43620387-C-G.
Other names: c.2996C>G, p.Ala999Gly (NM_000323.2, NM_001406743.1, NM_001406744.1 and 4 more transcripts); c.2234C>G, p.Ala745Gly (NM_001355216.2); c.2867C>G, p.Ala956Gly (NM_001406761.1, NM_001406762.1, NM_001406764.1); c.2861C>G, p.Ala954Gly (NM_001406763.1, NM_001406765.1); c.2708C>G, p.Ala903Gly (NM_001406766.1, NM_001406767.1, NM_001406770.1); c.2732C>G, p.Ala911Gly (NM_001406768.1); c.2600C>G, p.Ala867Gly (NM_001406769.1, NM_001406772.1); c.2558C>G, p.Ala853Gly (NM_001406771.1, NM_001406773.1); and 10 more; short protein forms A516G, A564G, A604G, A655G, A657G, A660G, A669G, A700G.
Identifiers: ClinVar variation 2503515 (VCV002503515.2), dbSNP rs748288493, ClinGen allele CA376558153.

ClinVar aggregate classification (germline): Uncertain significance. Review status: criteria provided, multiple submitters, no conflicts (2 of 4 stars). 2 submissions from 2 submitters: Uncertain significance (2). Last evaluated 2023-07-16.

Conditions:
RET-related disorder. Also called: RET-related condition; RET-related disease; RET-related disorders.
Multiple endocrine neoplasia type 2A. Also called: Multiple Endocrine Neoplasia Type 2A (MEN2A); MULTIPLE ENDOCRINE NEOPLASIA, TYPE IIA; PTC SYNDROME; SIPPLE SYNDROME; MEN 2A; MEN-2A syndrome. Identifiers: Orphanet 247698, Orphanet 653, MedGen C0025268, MeSH D018813, MONDO:0008234, OMIM 171400.

gnomAD v4.1: 1 of 1,614,178 alleles (0.000062%); highest among the groups gnomAD compares: South Asian, 0.0011%; no homozygotes.

Submissions (2):

PreventionGenetics, part of Exact Sciences
Classification: Uncertain significance for RET-related condition. Last evaluated: 2023-07-16. Review status: criteria provided, single submitter. Criteria: ACMG Guidelines, 2015. Collection method: clinical testing. Allele origin: germline.
Comment: The RET c.2996C>G variant is predicted to result in the amino acid substitution p.Ala999Gly. To our knowledge, this variant has not been reported in the literature or in a large population database, indicating this variant is rare. At this time, the clinical significance of this variant is uncertain due to the absence of conclusive functional and genetic evidence.

St. Jude Molecular Pathology, St. Jude Children's Research Hospital
Classification: Uncertain significance for Multiple endocrine neoplasia type 2A. Last evaluated: 2023-03-31. Review status: criteria provided, single submitter. Criteria: St. Jude Assertion Criteria 2020. Collection method: clinical testing. Allele origin: germline.
Comment: The RET c.2996C>G (p.Ala999Gly) missense change is absent in gnomAD v2.1.1. The in silico tool REVEL predicts a benign effect on protein function, but to our knowledge this prediction has not been confirmed by functional studies. To our knowledge, this variant has not been reported in the literature in individuals with multiple endocrine neoplasia type II. In summary, the evidence currently available is insufficient to determine the clinical significance of this variant. It has therefore been classified as of uncertain significance.